The following is an entry in ClinVar:

ClinVar aggregate classification (germline): Conflicting classifications of pathogenicity. Review status: criteria provided, conflicting classifications (1 of 4 stars). 2 submissions from 2 submitters: Likely pathogenic (1); Uncertain significance (1). Last evaluated 2025-10-26.

Submissions (2):

Labcorp Genetics (formerly Invitae), Labcorp
Classification: Likely pathogenic. Last evaluated: 2025-10-26. Review status: criteria provided, single submitter. Criteria: Invitae Variant Classification Sherloc (09022015). Collection method: clinical testing. Allele origin: germline.
Comment: This sequence change creates a premature translational stop signal (p.Glu1289Glyfs*42) in the COL18A1 gene. While this is not anticipated to result in nonsense mediated decay, it is expected to disrupt the last 48 amino acid(s) of the COL18A1 protein. This variant is not present in population databases (gnomAD no frequency). This premature translational stop signal has been observed in individual(s) with clinical features of Knobloch syndrome (internal data). In at least one individual the data is consistent with being in trans (on the opposite chromosome) from a pathogenic variant. ClinVar contains an entry for this variant (Variation ID: 1036604). Experimental studies and prediction algorithms are not available or were not evaluated, and the functional significance of this variant is currently unknown. In summary, the currently available evidence indicates that the variant is pathogenic, but additional data are needed to prove that conclusively. Therefore, this variant has been classified as Likely Pathogenic.

Blueprint Genetics
Classification: Uncertain significance. Last evaluated: 2020-04-17. Review status: criteria provided, single submitter. Criteria: ACMG Guidelines, 2015. Collection method: clinical testing. Allele origin: germline.

NM_001379500.1(COL18A1):c.3875_3881del (p.Glu1292fs)

Genes: COL18A1 (collagen type XVIII alpha 1 chain; plus strand), SLC19A1 (solute carrier family 19 member 1; minus strand). Cytogenetic location: 21q22.3.
Variant type: Deletion.
Coding change: c.3875_3881del on transcript NM_001379500.1 (MANE Select); coding-DNA positions 3875 to 3881, 7 bases deleted (AGACGTG; older notation c.3875_3881delAGACGTG).
Protein change: p.Glu1292fs; shifts the reading frame from glutamic acid 1292.
Molecular consequence: frameshift variant.
Genome position (GRCh38, 1-based): chr21:45,512,253-45,512,259, AGACGTG deleted; deleting any 7 consecutive bases within chr21:45,512,250-45,512,259 gives the same sequence; the c. name uses the placement nearest the transcript's 3' end. VCF-style (leftmost placement, unchanged base first): chr21-45512249-TGTGAGAC-T. GRCh37 (hg19) VCF-style: chr21-46932163-TGTGAGAC-T.
Other names: c.4406_4412del, p.Glu1469fs (NM_030582.4); c.5111_5117del, p.Glu1704fs (NM_130444.3); short protein forms E1292fs, E1469fs, E1704fs.
Identifiers: ClinVar variation 1036604 (VCV001036604.7), dbSNP rs2037655865, ClinGen allele CA513168644.